The following is an entry in ClinVar:

ClinVar aggregate classification (germline): Likely pathogenic (1 of 4 stars; one submission).

Allele frequency attached by ClinVar (database versions not stated): gnomAD exomes below 0.00001.
gnomAD v4.1: 1 of 1,613,788 alleles (0.000062%); highest among the groups gnomAD compares: Non-Finnish European, 0.000085%; no homozygotes.

Submission:

Labcorp Genetics (formerly Invitae), Labcorp
Classification: Likely pathogenic. Last evaluated: 2022-05-12. Review status: criteria provided, single submitter. Criteria: Invitae Variant Classification Sherloc (09022015). Collection method: clinical testing. Allele origin: germline.
Comment: In summary, the currently available evidence indicates that the variant is pathogenic, but additional data are needed to prove that conclusively. Therefore, this variant has been classified as Likely Pathogenic. Algorithms developed to predict the effect of sequence changes on RNA splicing suggest that this variant may disrupt the consensus splice site. This variant has not been reported in the literature in individuals affected with ALPK3-related conditions. This variant is not present in population databases (gnomAD no frequency). This sequence change affects an acceptor splice site in intron 12 of the ALPK3 gene. It is expected to disrupt RNA splicing. Variants that disrupt the donor or acceptor splice site typically lead to a loss of protein function (PMID: 16199547), and loss-of-function variants in ALPK3 are known to be pathogenic (PMID: 21441111, 26846950, 27106955, 34263907).

Literature cited by the submitters: PubMed 16199547; PubMed 21441111; PubMed 26846950; PubMed 27106955; PubMed 34263907.

NM_020778.5(ALPK3):c.4724-2A>G

Gene: ALPK3 (alpha kinase 3; plus strand). Cytogenetic location: 15q25.3.
Variant type: single nucleotide variant.
Coding change: c.4724-2A>G on transcript NM_020778.5 (MANE Select); the canonical splice acceptor site of the intron before coding-DNA position 4724, A replaced by G.
Molecular consequence: splice acceptor variant.
Genome position (GRCh38, 1-based): chr15:84,867,315, A>G. VCF-style: chr15-84867315-A-G. GRCh37 (hg19) VCF-style: chr15-85410546-A-G.
Identifiers: ClinVar variation 1495647 (VCV001495647.8), dbSNP rs2141575644, ClinGen allele CA393365400.